The following is an entry in ClinVar:

ClinVar aggregate classification (germline): Likely benign (1 of 4 stars; one submission).

Allele frequency attached by ClinVar (database versions not stated): gnomAD 0.00001 and 0.00003.
gnomAD v4.1: 1 of 1,609,188 alleles (0.000062%); highest among the groups gnomAD compares: African/African-American, 0.0013%; no homozygotes.

Submission:

GeneDx
Classification: Likely benign. Last evaluated: 2017-06-20. Review status: criteria provided, single submitter. Criteria: GeneDx Variant Classification (06012015). Collection method: clinical testing. Allele origin: germline. Affected: yes.
Comment: This variant is considered likely benign or benign based on one or more of the following criteria: it is a conservative change, it occurs at a poorly conserved position in the protein, it is predicted to be benign by multiple in silico algorithms, and/or has population frequency not consistent with disease.

NM_017617.5(NOTCH1):c.5934+13T>C

Gene: NOTCH1 (notch receptor 1; minus strand). Cytogenetic location: 9q34.3.
Variant type: single nucleotide variant.
Coding change: c.5934+13T>C on transcript NM_017617.5 (MANE Select); 13 bases into the intron after coding-DNA position 5934, T replaced by C.
Molecular consequence: intron variant.
Genome position (GRCh38, 1-based): chr9:136,500,539, A>G on the plus strand (T>C on the coding strand, the complement: NOTCH1 is on the minus strand). VCF-style: chr9-136500539-A-G. GRCh37 (hg19) VCF-style: chr9-139394991-A-G.
Other names: c.5934+13T>C (LRG_1122t1).
Identifiers: ClinVar variation 510226 (VCV000510226.1), dbSNP rs1326440924, ClinGen allele CA591367262.
Genomic context (GRCh38, chr9:136,500,539, plus strand): 5'-AGCCTGGCCACTGCCCCAGACCACCAGGCGGCCCTGAGGAGGGCAGGTGGGCACACAGGC[A>G]GCCACTGCCTACCTGGAAGACACCTTGTGCGTCGGCAGACACAGCCGCATGCAGCGGGGT-3'